The following is an entry in ClinVar:

NM_000088.4(COL1A1):c.2933C>T (p.Pro978Leu)

Gene: COL1A1 (collagen type I alpha 1 chain; minus strand). Cytogenetic location: 17q21.33.
Variant type: single nucleotide variant.
Coding change: c.2933C>T on transcript NM_000088.4 (MANE Select); coding-DNA position 2933, C replaced by T.
Protein change: p.Pro978Leu; replaces proline 978 with leucine.
Molecular consequence: missense variant.
Genome position (GRCh38, 1-based): chr17:50,189,172, G>A on the plus strand (C>T on the coding strand, the complement: COL1A1 is on the minus strand). VCF-style: chr17-50189172-G-A. GRCh37 (hg19) VCF-style: chr17-48266533-G-A.
Other names: short protein forms P978L.
Identifiers: ClinVar variation 1476796 (VCV001476796.6), dbSNP rs2144548775, ClinGen allele CA400204610.

ClinVar aggregate classification (germline): Uncertain significance (1 of 4 stars; one submission).

Conditions:
Osteogenesis imperfecta type I (OI1). Also called: Lobstein's Disease; Classic Non-deforming Osteogenesis Imperfecta with Blue Sclerae; OI, TYPE I; OSTEOGENESIS IMPERFECTA TARDA; OSTEOGENESIS IMPERFECTA WITH BLUE SCLERAE; Osteogenesis imperfecta type 1. Identifiers: Orphanet 216796, Orphanet 666, MedGen C0023931, MONDO:0008146, OMIM 166200. Disease mechanism: loss of function.

gnomAD v4.1: 8 of 1,613,824 alleles (0.0005%); highest among the groups gnomAD compares: Non-Finnish European, 0.00068%; no homozygotes.

Submission:

Labcorp Genetics (formerly Invitae), Labcorp
Classification: Uncertain significance for Osteogenesis imperfecta type I. Last evaluated: 2025-11-01. Review status: criteria provided, single submitter. Criteria: Invitae Variant Classification Sherloc (09022015). Collection method: clinical testing. Allele origin: germline.
Comment: This sequence change replaces proline, which is neutral and non-polar, with leucine, which is neutral and non-polar, at codon 978 of the COL1A1 protein (p.Pro978Leu). This variant is not present in population databases (gnomAD no frequency). This variant has not been reported in the literature in individuals affected with COL1A1-related conditions. ClinVar contains an entry for this variant (Variation ID: 1476796). Invitae Evidence Modeling of protein sequence and biophysical properties (such as structural, functional, and spatial information, amino acid conservation, physicochemical variation, residue mobility, and thermodynamic stability) indicates that this missense variant is expected to disrupt COL1A1 protein function with a positive predictive value of 95%. In summary, the available evidence is currently insufficient to determine the role of this variant in disease. Therefore, it has been classified as a Variant of Uncertain Significance.